The following is an entry in ClinVar:

NM_020975.6(RET):c.3086A>G (p.Tyr1029Cys)

Gene: RET (ret proto-oncogene; plus strand). Cytogenetic location: 10q11.21.
Variant type: single nucleotide variant.
Coding change: c.3086A>G on transcript NM_020975.6 (MANE Select); coding-DNA position 3086, A replaced by G.
Protein change: p.Tyr1029Cys; replaces tyrosine 1029 with cysteine.
Molecular consequence: missense variant.
Genome position (GRCh38, 1-based): chr10:43,126,621, A>G. VCF-style: chr10-43126621-A-G. GRCh37 (hg19) VCF-style: chr10-43622069-A-G.
Other names: c.2324A>G, p.Tyr775Cys (NM_001355216.2); c.3086A>G, p.Tyr1029Cys (NM_001406743.1, NM_001406744.1, NM_001406759.1 and 2 more transcripts); c.2957A>G, p.Tyr986Cys (NM_001406761.1, NM_001406762.1, NM_001406764.1); c.2951A>G, p.Tyr984Cys (NM_001406763.1, NM_001406765.1); c.2798A>G, p.Tyr933Cys (NM_001406766.1, NM_001406767.1, NM_001406770.1); c.2822A>G, p.Tyr941Cys (NM_001406768.1); c.2690A>G, p.Tyr897Cys (NM_001406769.1, NM_001406772.1); c.2648A>G, p.Tyr883Cys (NM_001406771.1, NM_001406773.1); and 10 more; short protein forms Y594C, Y854C, Y984C, Y1029C, Y634C, Y685C, Y730C, Y787C.
Identifiers: ClinVar variation 3722035 (VCV003722035.2).

ClinVar aggregate classification (germline): Uncertain significance (1 of 4 stars; one submission).

Conditions:
Multiple endocrine neoplasia, type 2 (MEN2). Identifiers: Orphanet 653, MedGen C4048306, MONDO:0019003. Disease mechanism: gain of function.

Submission:

Labcorp Genetics (formerly Invitae), Labcorp
Classification: Uncertain significance for Multiple endocrine neoplasia, type 2. Last evaluated: 2024-10-02. Review status: criteria provided, single submitter. Criteria: Invitae Variant Classification Sherloc (09022015). Collection method: clinical testing. Allele origin: germline.
Comment: This sequence change replaces tyrosine, which is neutral and polar, with cysteine, which is neutral and slightly polar, at codon 1029 of the RET protein (p.Tyr1029Cys). This variant is not present in population databases (gnomAD no frequency). This variant has not been reported in the literature in individuals affected with RET-related conditions. An algorithm developed to predict the effect of missense changes on protein structure and function (PolyPhen-2) suggests that this variant is likely to be tolerated. In summary, the available evidence is currently insufficient to determine the role of this variant in disease. Therefore, it has been classified as a Variant of Uncertain Significance.